The following is an entry in ClinVar:

ClinVar aggregate classification (germline): Uncertain significance (1 of 4 stars; one submission).

Conditions:
Symmetrical dyschromatosis of extremities (DSH). Also called: RETICULATE ACROPIGMENTATION OF DOHI; SYMMETRIC DYSCHROMATOSIS OF THE EXTREMITIES; Dyschromatosis symmetrica hereditaria; DYSCHROMATOSIS SYMMETRICA HEREDITARIA 1. Identifiers: Orphanet 41, MedGen C0406775, MONDO:0007483, OMIM 127400.
Aicardi-Goutieres syndrome 6 (AGS6). Identifiers: Orphanet 51, MedGen C3539013, MONDO:0014007, OMIM 615010.

Allele frequency attached by ClinVar (database versions not stated): gnomAD exomes below 0.00001; TOPMed below 0.00001; gnomAD 0.00001.
gnomAD v4.1: 5 of 1,602,816 alleles (0.00031%); highest among the groups gnomAD compares: East Asian, 0.0045%; no homozygotes.

Submission:

Labcorp Genetics (formerly Invitae), Labcorp
Classification: Uncertain significance for Aicardi-Goutieres syndrome 6; Symmetrical dyschromatosis of extremities. Last evaluated: 2022-04-04. Review status: criteria provided, single submitter. Criteria: Invitae Variant Classification Sherloc (09022015). Collection method: clinical testing. Allele origin: germline.
Comment: In summary, the available evidence is currently insufficient to determine the role of this variant in disease. Therefore, it has been classified as a Variant of Uncertain Significance. Algorithms developed to predict the effect of sequence changes on RNA splicing suggest that this variant may disrupt the consensus splice site. This variant has not been reported in the literature in individuals affected with ADAR-related conditions. This variant is present in population databases (no rsID available, gnomAD 0.0009%). This sequence change affects codon 87 of the ADAR mRNA. It is a 'silent' change, meaning that it does not change the encoded amino acid sequence of the ADAR protein.

NM_001111.5(ADAR):c.261A>G (p.Gln87=)

Gene: ADAR (adenosine deaminase RNA specific; minus strand). Cytogenetic location: 1q21.3.
Variant type: single nucleotide variant.
Coding change: c.261A>G on transcript NM_001111.5 (MANE Select); coding-DNA position 261, A replaced by G.
Protein change: p.Gln87=; no amino-acid change (glutamine 87 retained).
Molecular consequence: synonymous variant. On other transcripts: 5 prime UTR variant (3), intron variant (3).
Genome position (GRCh38, 1-based): chr1:154,602,381, T>C on the plus strand (A>G on the coding strand, the complement: ADAR is on the minus strand). VCF-style: chr1-154602381-T-C. GRCh37 (hg19) VCF-style: chr1-154574857-T-C.
Other names: c.-625A>G (NM_001025107.3, NM_001193495.2, NM_001365048.1); c.288A>G, p.Gln96= (NM_001365045.1); c.261A>G, p.Gln87= (NM_015840.4, NM_015841.4); c.-493+4A>G (NM_001365046.1, NM_001365049.1, NM_001365047.1).
Identifiers: ClinVar variation 2202680 (VCV002202680.4), dbSNP rs1287865106, ClinGen allele CA421225984.